The following is an entry in ClinVar:

NM_000214.3(JAG1):c.2267G>C (p.Gly756Ala)

Gene: JAG1 (jagged canonical Notch ligand 1; minus strand). Cytogenetic location: 20p12.2.
Variant type: single nucleotide variant.
Coding change: c.2267G>C on transcript NM_000214.3 (MANE Select); coding-DNA position 2267, G replaced by C.
Protein change: p.Gly756Ala; replaces glycine 756 with alanine.
Molecular consequence: missense variant.
Genome position (GRCh38, 1-based): chr20:10,644,940, C>G on the plus strand (G>C on the coding strand, the complement: JAG1 is on the minus strand). VCF-style: chr20-10644940-C-G. GRCh37 (hg19) VCF-style: chr20-10625588-C-G.
Other names: short protein forms G756A.
Identifiers: ClinVar variation 3531154 (VCV003531154.2).

ClinVar aggregate classification (germline): Uncertain significance. Review status: criteria provided, multiple submitters, no conflicts (2 of 4 stars). 2 submissions from 2 submitters: Uncertain significance (2). Last evaluated 2025-11-04.

Conditions:
Cardiovascular phenotype. Identifiers: MedGen CN230736.
Alagille syndrome due to a JAG1 point mutation. Also called: HEPATIC DUCTULAR HYPOPLASIA, SYNDROMATIC; Alagille Syndrome 1; JAG1-Related Alagille Syndrome. Identifiers: Orphanet 261619, Orphanet 52, MedGen C1956125, MONDO:0016862, OMIM 118450.

gnomAD v4.1: 4 of 1,614,186 alleles (0.00025%); highest among the groups gnomAD compares: Non-Finnish European, 0.00025%; no homozygotes.

Submissions (2):

Labcorp Genetics (formerly Invitae), Labcorp
Classification: Uncertain significance for Alagille syndrome due to a JAG1 point mutation. Last evaluated: 2025-11-04. Review status: criteria provided, single submitter. Criteria: Invitae Variant Classification Sherloc (09022015). Collection method: clinical testing. Allele origin: germline.
Comment: This sequence change replaces glycine, which is neutral and non-polar, with alanine, which is neutral and non-polar, at codon 756 of the JAG1 protein (p.Gly756Ala). This variant is present in population databases (rs769495705, gnomAD 0.0009%). This variant has not been reported in the literature in individuals affected with JAG1-related conditions. ClinVar contains an entry for this variant (Variation ID: 3531154). Invitae Evidence Modeling of protein sequence and biophysical properties (such as structural, functional, and spatial information, amino acid conservation, physicochemical variation, residue mobility, and thermodynamic stability) indicates that this missense variant is expected to disrupt JAG1 protein function with a positive predictive value of 80%. In summary, the available evidence is currently insufficient to determine the role of this variant in disease. Therefore, it has been classified as a Variant of Uncertain Significance.

Ambry Genetics
Classification: Uncertain significance for Cardiovascular phenotype. Last evaluated: 2024-06-26. Review status: criteria provided, single submitter. Criteria: Ambry Variant Classification Scheme 2023. Collection method: clinical testing. Allele origin: germline.
Comment: The p.G756A variant (also known as c.2267G>C), located in coding exon 18 of the JAG1 gene, results from a G to C substitution at nucleotide position 2267. The glycine at codon 756 is replaced by alanine, an amino acid with similar properties. This amino acid position is conserved. In addition, this alteration is predicted to be deleterious by in silico analysis. Based on the available evidence, the clinical significance of this variant remains unclear.